The following is an entry in ClinVar:

ClinVar aggregate classification (germline): Uncertain significance. Review status: criteria provided, multiple submitters, no conflicts (2 of 4 stars). 2 submissions from 2 submitters: Uncertain significance (2). Last evaluated 2025-11-17.

Conditions:
Inborn genetic diseases. Identifiers: MedGen C0950123, MeSH D030342.

Allele frequency attached by ClinVar (database versions not stated): TOPMed 0.00005; gnomAD exomes below 0.00001; gnomAD 0.00002.

Submissions (2):

Labcorp Genetics (formerly Invitae), Labcorp
Classification: Uncertain significance. Last evaluated: 2025-11-17. Review status: criteria provided, single submitter. Criteria: Invitae Variant Classification Sherloc (09022015). Collection method: clinical testing. Allele origin: germline.
Comment: This sequence change replaces glycine, which is neutral and non-polar, with valine, which is neutral and non-polar, at codon 2031 of the SPEG protein (p.Gly2031Val). This variant is not present in population databases (gnomAD no frequency). This variant has not been reported in the literature in individuals affected with SPEG-related conditions. ClinVar contains an entry for this variant (Variation ID: 3168888). An algorithm developed to predict the effect of missense changes on protein structure and function (PolyPhen-2) suggests that this variant is likely to be tolerated. In summary, the available evidence is currently insufficient to determine the role of this variant in disease. Therefore, it has been classified as a Variant of Uncertain Significance.

Ambry Genetics
Classification: Uncertain significance for Inborn genetic diseases. Last evaluated: 2024-01-09. Review status: criteria provided, single submitter. Criteria: Ambry Variant Classification Scheme 2023. Collection method: clinical testing. Allele origin: germline.

NM_005876.5(SPEG):c.6092G>T (p.Gly2031Val)

Genes: ASIC4-AS1 (ASIC4 antisense RNA 1; minus strand), SPEG (striated muscle enriched protein kinase; plus strand). Cytogenetic location: 2q35.
Variant type: single nucleotide variant.
Coding change: c.6092G>T on transcript NM_005876.5 (MANE Select); coding-DNA position 6092, G replaced by T.
Protein change: p.Gly2031Val; replaces glycine 2031 with valine.
Molecular consequence: missense variant.
Genome position (GRCh38, 1-based): chr2:219,483,555, G>T. VCF-style: chr2-219483555-G-T. GRCh37 (hg19) VCF-style: chr2-220348277-G-T.
Other names: short protein forms G2031V.
Identifiers: ClinVar variation 3168888 (VCV003168888.3), dbSNP rs1216505905, ClinGen allele CA350696506.
Genomic context (GRCh38, chr2:219,483,555, plus strand): 5'-GCAGGGGCAGCTCGGCTGAGAGCGCCCTGCCCCGGGCCGGGCCGCGGGAGCTGGGCCGGG[G>T]CCTGCACAAGGCGGCGTCTGTGGAGCTGCCGCAGCGCCGGAGCCCCAGCCCGGGAGCCAC-3'
Protein context (NP_005867.3, residues 2021-2041): PRAGPRELGR[Gly2031Val]LHKAASVELP